The following is an entry in ClinVar:

ClinVar aggregate classification (germline): Likely pathogenic (1 of 4 stars; one submission).

Conditions:
Gaze palsy, familial horizontal, with progressive scoliosis 1 (HGPPS1). Identifiers: Orphanet 2744, MedGen C4551964, MONDO:0020790, OMIM 607313.

Submission:

Dasa
Classification: Likely pathogenic for Gaze palsy, familial horizontal, with progressive scoliosis 1. Last evaluated: 2025-12-23. Review status: criteria provided, single submitter. Criteria: DASA Assertion Criteria. Collection method: clinical testing. Allele origin: germline.
Comment: NM_022370.4(ROBO3):c.1986G>A (p.Trp662*) is a nonsense variant in ROBO3 predicted to introduce a premature termination codon and is predicted to result in an absent or altered protein product. Loss of function is an established disease mechanism for ROBO3-associated disorders. Also, this variant is rare in population databases. Based on the currently available evidence, this variant is classified as likely pathogenic.

NM_022370.4(ROBO3):c.1986G>A (p.Trp662Ter)

Gene: ROBO3 (roundabout guidance receptor 3; plus strand). Cytogenetic location: 11q24.2.
Variant type: single nucleotide variant.
Coding change: c.1986G>A on transcript NM_022370.4 (MANE Select); coding-DNA position 1986, G replaced by A.
Protein change: p.Trp662Ter; replaces tryptophan 662 with a stop codon.
Molecular consequence: nonsense.
Genome position (GRCh38, 1-based): chr11:124,874,822, G>A. VCF-style: chr11-124874822-G-A. GRCh37 (hg19) VCF-style: chr11-124744718-G-A.
Other names: short protein forms W662*.
Identifiers: ClinVar variation 4883144 (VCV004883144.2).